The following is an entry in ClinVar:

NM_000531.6(OTC):c.158T>G (p.Ile53Ser)

Gene: OTC (ornithine transcarbamylase; plus strand). Cytogenetic location: Xp11.4.
Variant type: single nucleotide variant.
Coding change: c.158T>G on transcript NM_000531.6 (MANE Select); coding-DNA position 158, T replaced by G.
Protein change: p.Ile53Ser; replaces isoleucine 53 with serine.
Molecular consequence: missense variant.
Genome position (GRCh38, 1-based): chrX:38,367,371, T>G. VCF-style: chrX-38367371-T-G. GRCh37 (hg19) VCF-style: chrX-38226624-T-G.
Other names: short protein forms I53S.
Identifiers: ClinVar variation 97123 (VCV000097123.2), dbSNP rs66677059, ClinGen allele CA224484.

ClinVar aggregate classification (germline): Pathogenic (0 of 4 stars; one submission).

Submission:

GenMed Metabolism Lab
Classification: Pathogenic. Review status: no assertion criteria provided. Collection method: not provided. Allele origin: unknown.
Comment: p.Ile53Ser, Neonatal
ClinVar note: Converted during submission from pathogenic to Pathogenic.